The following is an entry in ClinVar:

ClinVar aggregate classification (germline): Likely pathogenic (1 of 4 stars; one submission).

Conditions:
Duchenne muscular dystrophy (DMD). Also called: MUSCULAR DYSTROPHY, PSEUDOHYPERTROPHIC PROGRESSIVE, DUCHENNE TYPE; Duchenne Muscular Dystrophy (DMD). Identifiers: Orphanet 98896, MedGen C0013264, MONDO:0010679, OMIM 310200.

Submission:

Diagnostics Services (NGS), CSIR - Centre For Cellular And Molecular Biology
Classification: Likely pathogenic for Duchenne muscular dystrophy. Last evaluated: 2025-09-18. Review status: criteria provided, single submitter. Criteria: ACMG Guidelines, 2015. Collection method: clinical testing. Allele origin: germline. Affected: yes. Observed: 1 variant allele, 1 hemizygote.
Comment: The c.10133_10134insG variant is not present in publicly available population databases like 1000 Genomes, EVS, gnomAD, Indian Exome Database or our internal database. This variant has neither been reported in the literature in individuals affected with DMD-related conditions nor reported to the clinical databases like Human Genome Mutation Database (HGMD), ClinVar or OMIM, in any affected individuals. In-silico pathogenicity prediction programs like MutationTaster2021, CADD, Franklin, Varsome etc predicted this variant to be likely deleterious. This variant causes frameshift at the 3378th amino acid position of the wild-type transcript that creates a premature translational stop signal at the altered transcript that may either result in translation of a truncated protein or cause nonsense mediated decay of the mRNA.

NM_004006.3(DMD):c.10133_10134insG (p.Asn3378fs)

Gene: DMD (dystrophin; minus strand). Cytogenetic location: Xp21.2.
Variant type: Insertion.
Coding change: c.10133_10134insG on transcript NM_004006.3 (MANE Select); coding-DNA positions 10133 to 10134, G inserted.
Protein change: p.Asn3378fs; shifts the reading frame from asparagine 3378.
Molecular consequence: frameshift variant.
Genome position: GRCh38 VCF-style: chrX-31178758-G-GC. GRCh37 (hg19) VCF-style: chrX-31196875-G-GC.
Other names: c.10109_10110insG, p.Asn3370fs (NM_000109.4); c.10121_10122insG, p.Asn3374fs (NM_004009.3); c.9764_9765insG, p.Asn3255fs (NM_004010.3); c.6110_6111insG, p.Asn2037fs (NM_004011.4); c.6101_6102insG, p.Asn2034fs (NM_004012.4); c.2753_2754insG, p.Asn918fs (NM_004013.3, NM_004020.4, NM_004021.3 and 2 more transcripts); c.1946_1947insG, p.Asn649fs (NM_004014.3); c.929_930insG, p.Asn310fs (NM_004015.3, NM_004016.3, NM_004017.3 and 2 more transcripts); short protein forms N2034fs, N2037fs, N310fs, N3255fs, N3370fs, N3374fs, N3378fs, N649fs.
Identifiers: ClinVar variation 4279613 (VCV004279613.1).
Genomic context (GRCh38, chrX:31,178,758, plus strand): 5'-CTGCACTGGCAGGTAGCCCATTCGGGGATGCTTCGCAAAATACCTTTTGGTTCGAAATTT[G>GC]TTTTTTAGTACCTTGGCAAAGTCTCGAACATCTTCTCCTGATGTAGTCTAAAAGGGAGAT-3'